The following is an entry in ClinVar:

ClinVar aggregate classification (germline): Benign/Likely benign. Review status: criteria provided, multiple submitters, no conflicts (2 of 4 stars). 2 submissions from 2 submitters: Benign (1); Likely benign (1). Last evaluated 2024-09-17.

Conditions:
Hereditary cancer-predisposing syndrome. Also called: Tumor predisposition; Neoplastic Syndromes, Hereditary; Hereditary Cancer Syndrome; Hereditary neoplastic syndrome. Identifiers: Orphanet 140162, MedGen C0027672, MeSH D009386, MONDO:0015356.
Hereditary diffuse gastric adenocarcinoma (HDGC). Also called: DIFFUSE GASTRIC AND LOBULAR BREAST CANCER SYNDROME. Identifiers: Orphanet 26106, MedGen C1708349, MONDO:0007648, OMIM 137215.

Submissions (2):

Myriad Genetics, Inc.
Classification: Benign for Hereditary diffuse gastric adenocarcinoma. Last evaluated: 2024-09-17. Review status: criteria provided, single submitter. Criteria: Myriad Autosomal Dominant, Autosomal Recessive and X-Linked Classification Criteria (2023). Collection method: clinical testing. Allele origin: unknown.
Comment: This variant is considered benign. This variant is a silent/synonymous amino acid change and it is not expected to impact splicing.

Ambry Genetics
Classification: Likely benign for Hereditary cancer-predisposing syndrome. Last evaluated: 2021-10-06. Review status: criteria provided, single submitter. Criteria: Ambry Variant Classification Scheme 2023. Collection method: clinical testing. Allele origin: germline.

NM_004360.5(CDH1):c.1005A>G (p.Arg335=)

Gene: CDH1 (cadherin 1; plus strand). Cytogenetic location: 16q22.1.
Variant type: single nucleotide variant.
Coding change: c.1005A>G on transcript NM_004360.5 (MANE Select); coding-DNA position 1005, A replaced by G.
Protein change: p.Arg335=; no amino-acid change (arginine 335 retained).
Molecular consequence: synonymous variant. On other transcripts: 5 prime UTR variant (2).
Genome position (GRCh38, 1-based): chr16:68,811,856, A>G. VCF-style: chr16-68811856-A-G. GRCh37 (hg19) VCF-style: chr16-68845759-A-G.
Other names: c.1005A>G, p.Arg335= (NM_001317184.2); c.-611A>G (NM_001317185.2); c.-815A>G (NM_001317186.2).
Identifiers: ClinVar variation 1780884 (VCV001780884.3), dbSNP rs2152132167, ClinGen allele CA496152998.